The following is an entry in ClinVar:

NM_001042492.3(NF1):c.61-4422C>T

Gene: NF1 (neurofibromin 1; plus strand). Cytogenetic location: 17q11.2.
Variant type: single nucleotide variant.
Coding change: c.61-4422C>T on transcript NM_001042492.3 (MANE Select); 4422 bases into the intron before coding-DNA position 61, C replaced by T.
Molecular consequence: intron variant.
Genome position (GRCh38, 1-based): chr17:31,151,561, C>T. VCF-style: chr17-31151561-C-T. GRCh37 (hg19) VCF-style: chr17-29478579-C-T.
Other names: c.61-4422C>T (NM_000267.4, NM_001128147.3).
Identifiers: ClinVar variation 4683097 (VCV004683097.1).

ClinVar aggregate classification (germline): Uncertain significance (1 of 4 stars; one submission).

Conditions:
Neurofibromatosis, type 1 (NF1). Also called: Peripheral type neurofibromatosis; VON RECKLINGHAUSEN DISEASE; Neurofibromatosis, type I; NEUROFIBROMATOSIS, TYPE I, SOMATIC. Identifiers: Orphanet 636, MedGen C0027831, MONDO:0018975, OMIM 162200. Disease mechanism: loss of function.

gnomAD v4.1: 5 of 152,128 alleles (0.0033%); highest among the groups gnomAD compares: African/African-American, 0.0072%; no homozygotes.

Submission:

Institute of Human Genetics, University of Leipzig Medical Center
Classification: Uncertain significance for Neurofibromatosis, type 1. Last evaluated: 2025-12-01. Review status: criteria provided, single submitter. Criteria: ACMG Guidelines, 2015. Collection method: clinical testing. Allele origin: unknown. Inheritance: Autosomal dominant inheritance. Affected: yes.
Comment: Criteria applied: PM2_SUP,PP4